The following is an entry in ClinVar:

ClinVar aggregate classification (germline): Pathogenic (1 of 4 stars; one submission).

Conditions:
Hereditary cancer-predisposing syndrome. Also called: Neoplastic Syndromes, Hereditary; Hereditary Cancer Syndrome; Tumor predisposition; Hereditary neoplastic syndrome. Identifiers: Orphanet 140162, MedGen C0027672, MeSH D009386, MONDO:0015356.

Submission:

Labcorp Genetics (formerly Invitae), Labcorp
Classification: Pathogenic for Hereditary cancer-predisposing syndrome. Last evaluated: 2021-10-09. Review status: criteria provided, single submitter. Criteria: Invitae Variant Classification Sherloc (09022015). Collection method: clinical testing. Allele origin: germline.
Comment: For these reasons, this variant has been classified as Pathogenic. Loss-of-function variants in RAD50 are known to be pathogenic (PMID: 16385572, 19409520). This variant has not been reported in the literature in individuals with RAD50-related conditions. This variant is not present in population databases (ExAC no frequency). This sequence change creates a premature translational stop signal (p.Leu929Phefs*15) in the RAD50 gene. It is expected to result in an absent or disrupted protein product.

Literature cited by the submitters: PubMed 16385572; PubMed 19409520.

NM_005732.4(RAD50):c.2786dup (p.Leu929fs)

Gene: RAD50 (RAD50 double strand break repair protein; plus strand). Cytogenetic location: 5q31.1.
Variant type: Duplication.
Coding change: c.2786dup on transcript NM_005732.4 (MANE Select); coding-DNA position 2786, one base duplicated (T; older notation c.2786dupT).
Protein change: p.Leu929fs; shifts the reading frame from leucine 929.
Molecular consequence: frameshift variant.
Genome position (GRCh38, 1-based): chr5:132,608,682, T duplicated; the last of 2 consecutive T bases (chr5:132,608,681-132,608,682); duplicating either gives the same sequence. VCF-style (leftmost placement, unchanged base first): chr5-132608680-A-AT. GRCh37 (hg19) VCF-style: chr5-131944372-A-AT.
Other names: short protein forms L929fs.
Identifiers: ClinVar variation 854484 (VCV000854484.8), dbSNP rs1256710740, ClinGen allele CA562775720.